The following is an entry in ClinVar:

ClinVar aggregate classification (germline): Uncertain significance. Review status: criteria provided, multiple submitters, no conflicts (2 of 4 stars). 2 submissions from 2 submitters: Uncertain significance (2). Last evaluated 2025-07-14.

Conditions:
RYR1-related disorder. Also called: RYR1-related condition; RYR1-related disorders. Identifiers: MedGen CN239331.
Malignant hyperthermia, susceptibility to, 1 (MHS1). Also called: Anesthesia related hyperthermia; Malignant hyperpyrexia; Fulminating hyperpyrexia; Pharmacogenic myopathy; RYR1-Related Malignant Hyperthermia Susceptibility; Malignant hyperthermia suceptibility 1. Identifiers: Orphanet 423, MedGen C2930980, MONDO:0007783, OMIM 145600.

gnomAD v4.1: 2 of 1,613,512 alleles (0.00012%); highest among the groups gnomAD compares: Non-Finnish European, 0.00017%; no homozygotes.

Submissions (2):

Color Diagnostics, LLC DBA Color Health
Classification: Uncertain significance for Malignant hyperthermia, susceptibility to, 1. Last evaluated: 2025-07-14. Review status: criteria provided, single submitter. Criteria: ACMG Guidelines, 2015. Collection method: clinical testing. Allele origin: germline.
Comment: This missense variant replaces alanine with serine at codon 1743 of the RYR1 protein. Computational prediction suggests that this variant may not impact protein structure and function. To our knowledge, functional studies have not been reported for this variant. This variant has not been reported in individuals affected with RYR1-related disorders in the literature. This variant has been identified in 1/245456 chromosomes in the general population by the Genome Aggregation Database (gnomAD). The available evidence is insufficient to determine the role of this variant in disease conclusively. Therefore, this variant is classified as a Variant of Uncertain Significance.

Labcorp Genetics (formerly Invitae), Labcorp
Classification: Uncertain significance for RYR1-related disorder. Last evaluated: 2024-02-23. Review status: criteria provided, single submitter. Criteria: Invitae Variant Classification Sherloc (09022015). Collection method: clinical testing. Allele origin: germline.
Comment: This sequence change replaces alanine, which is neutral and non-polar, with serine, which is neutral and polar, at codon 1743 of the RYR1 protein (p.Ala1743Ser). This variant is present in population databases (no rsID available, gnomAD 0.0009%). This variant has not been reported in the literature in individuals affected with RYR1-related conditions. Advanced modeling of protein sequence and biophysical properties (such as structural, functional, and spatial information, amino acid conservation, physicochemical variation, residue mobility, and thermodynamic stability) performed at Invitae indicates that this missense variant is not expected to disrupt RYR1 protein function with a negative predictive value of 95%. In summary, the available evidence is currently insufficient to determine the role of this variant in disease. Therefore, it has been classified as a Variant of Uncertain Significance.

NM_000540.3(RYR1):c.5227G>T (p.Ala1743Ser)

Gene: RYR1 (ryanodine receptor 1; plus strand). Cytogenetic location: 19q13.2.
Variant type: single nucleotide variant.
Coding change: c.5227G>T on transcript NM_000540.3 (MANE Select); coding-DNA position 5227, G replaced by T.
Protein change: p.Ala1743Ser; replaces alanine 1743 with serine.
Molecular consequence: missense variant.
Genome position (GRCh38, 1-based): chr19:38,485,882, G>T. VCF-style: chr19-38485882-G-T. GRCh37 (hg19) VCF-style: chr19-38976522-G-T.
Other names: c.5227G>T, p.Ala1743Ser (NM_001042723.2); short protein forms A1743S.
Identifiers: ClinVar variation 3667739 (VCV003667739.3).
Genomic context (GRCh38, chr19:38,485,882, plus strand): 5'-TGCCGCAGCCGCCGCTCCATGCTCTCTGAATACATCGTGCCCCTCACGCCTGAGACCCGC[G>T]CCATCACGCTCTTCCCTCCTGGAAGGAGCACAGAAAATGGTCACCCCCGGCATGGCCTGC-3'
Protein context (NP_000531.2, residues 1733-1753): YIVPLTPETR[Ala1743Ser]ITLFPPGRST